The following is an entry in ClinVar:

ClinVar aggregate classification (germline): Likely pathogenic (1 of 4 stars; one submission).

Conditions:
Nemaline myopathy 2 (NEM2). Also called: Nemaline myopathy 2, autosomal recessive. Identifiers: MedGen C1850569, MONDO:0009725, OMIM 256030.

Submission:

Myriad Genetics, Inc.
Classification: Likely pathogenic for Nemaline myopathy 2. Last evaluated: 2022-01-02. Review status: criteria provided, single submitter. Criteria: Myriad Women's Health Autosomal Recessive and X-Linked Classification Criteria (2021). Collection method: clinical testing. Allele origin: unknown.
Comment: NM_001271208.1(NEB):c.20691T>A(Y6897*) is expected to be pathogenic in the context of NEB-related nemaline myopathy. This variant is predicted to lead to an abnormal or absent protein product due to the creation of a premature termination codon in NEB, a gene where loss-of-function variants are known to be pathogenic. Please note: this variant was assessed in the context of healthy population screening.

NM_001164508.2(NEB):c.20691T>A (p.Tyr6897Ter)

Gene: NEB (nebulin; minus strand). Cytogenetic location: 2q23.3.
Variant type: single nucleotide variant.
Coding change: c.20691T>A on transcript NM_001164508.2 (MANE Select); coding-DNA position 20691, T replaced by A.
Protein change: p.Tyr6897Ter; replaces tyrosine 6897 with a stop codon.
Molecular consequence: nonsense.
Genome position (GRCh38, 1-based): chr2:151,540,793, A>T on the plus strand (T>A on the coding strand, the complement: NEB is on the minus strand). VCF-style: chr2-151540793-A-T. GRCh37 (hg19) VCF-style: chr2-152397307-A-T.
Other names: c.20691T>A, p.Tyr6897Ter (NM_001164507.2, NM_001271208.2); c.15588T>A, p.Tyr5196Ter (NM_004543.5); short protein forms Y5196*, Y6897*.
Identifiers: ClinVar variation 1726918 (VCV001726918.2), dbSNP rs2552157176, ClinGen allele CA348777843.